The following is an entry in ClinVar:

ClinVar aggregate classification (germline): Uncertain significance (1 of 4 stars; one submission).

Conditions:
Hereditary cancer-predisposing syndrome. Also called: Hereditary Cancer Syndrome; Hereditary neoplastic syndrome; Neoplastic Syndromes, Hereditary; Tumor predisposition. Identifiers: Orphanet 140162, MedGen C0027672, MeSH D009386, MONDO:0015356.

Submission:

Ambry Genetics
Classification: Uncertain significance for Hereditary cancer-predisposing syndrome. Last evaluated: 2017-10-16. Review status: criteria provided, single submitter. Criteria: Ambry Variant Classification Scheme 2023. Collection method: clinical testing. Allele origin: germline.
Comment: The c.44_46dupTTA variant (also known as p.I15dup), located in coding exon 1 of the BRCA1 gene, results from an in-frame duplication of TTA at nucleotide positions 44 to 46. This results in the duplication of an extra isoleucine residue between codons 15 and 16. The duplicated amino acid position is poorly conserved in available vertebrate species. Since supporting evidence is limited at this time, the clinical significance of this alteration remains unclear.

NM_007294.4(BRCA1):c.44_46dup (p.Ile15_Asn16insIle)

Gene: BRCA1 (BRCA1 DNA repair associated; minus strand). Cytogenetic location: 17q21.31.
Variant type: Duplication.
Coding change: c.44_46dup on transcript NM_007294.4 (MANE Select); coding-DNA positions 44 to 46, 3 bases duplicated (TTA; older notation c.44_46dupTTA).
Protein change: p.Ile15_Asn16insIle.
Molecular consequence: inframe insertion. On other transcripts: inframe indel (195), 5 prime UTR variant (1), non-coding transcript variant (1).
Genome position (GRCh38, 1-based): chr17:43,124,051-43,124,053, TAA duplicated on the plus strand (TTA on the coding strand, the reverse complement: BRCA1 is on the minus strand); duplicating any 3 consecutive bases within chr17:43,124,051-43,124,054 gives the same sequence; the c. name uses the placement nearest the transcript's 3' end. VCF-style (leftmost placement, unchanged base first): chr17-43124050-T-TTAA. GRCh37 (hg19) VCF-style: chr17-41276067-T-TTAA.
Other names: c.43_45dup, p.Ile15_Asn16insIle (NM_001407972.1, NM_001407973.1, NM_001407974.1 and 191 more transcripts); c.-218_-216dup (NM_001408410.1, NM_001408452.1, NM_001408462.1 and 22 more transcripts); c.-146_-144dup (NM_001407571.1, NM_001408478.1, NM_001408479.1 and 46 more transcripts); c.-45_-43dup (NM_001408454.1, NM_001408459.1, NM_001408460.1 and 22 more transcripts); c.-215_-213dup (NM_001408455.1, NM_001408456.1, NM_001408468.1 and 11 more transcripts); c.-219_-217dup (NM_001408465.1, NM_001407695.1); c.-291_-289dup (NM_001408482.1); c.-262_-260dup (NM_001408492.1, NM_001407889.1); and 11 more.
Identifiers: ClinVar variation 1740328 (VCV001740328.2), dbSNP rs2552278947, ClinGen allele CA2580093973.